The following is an entry in ClinVar:

NM_005618.4(DLL1):c.395C>T (p.Pro132Leu)

Gene: DLL1 (delta like canonical Notch ligand 1; minus strand). Cytogenetic location: 6q27.
Variant type: single nucleotide variant.
Coding change: c.395C>T on transcript NM_005618.4 (MANE Select); coding-DNA position 395, C replaced by T.
Protein change: p.Pro132Leu; replaces proline 132 with leucine.
Molecular consequence: missense variant.
Genome position (GRCh38, 1-based): chr6:170,288,746, G>A on the plus strand (C>T on the coding strand, the complement: DLL1 is on the minus strand). VCF-style: chr6-170288746-G-A. GRCh37 (hg19) VCF-style: chr6-170597834-G-A.
Other names: short protein forms P132L.
Identifiers: ClinVar variation 2992851 (VCV002992851.3), dbSNP rs754022981, ClinGen allele CA4107152.

ClinVar aggregate classification (germline): Uncertain significance (1 of 4 stars; one submission).

Allele frequency attached by ClinVar (database versions not stated): gnomAD exomes below 0.00001; TOPMed below 0.00001; ExAC 0.00001; gnomAD 0.00001.

Submission:

Labcorp Genetics (formerly Invitae), Labcorp
Classification: Uncertain significance. Last evaluated: 2024-04-19. Review status: criteria provided, single submitter. Criteria: Invitae Variant Classification Sherloc (09022015). Collection method: clinical testing. Allele origin: germline.
Comment: This sequence change replaces proline, which is neutral and non-polar, with leucine, which is neutral and non-polar, at codon 132 of the DLL1 protein (p.Pro132Leu). This variant is present in population databases (rs754022981, gnomAD 0.0009%). This variant has not been reported in the literature in individuals affected with DLL1-related conditions. An algorithm developed to predict the effect of missense changes on protein structure and function (PolyPhen-2) suggests that this variant is likely to be tolerated. In summary, the available evidence is currently insufficient to determine the role of this variant in disease. Therefore, it has been classified as a Variant of Uncertain Significance.